The following is an entry in ClinVar:

ClinVar aggregate classification (germline): Uncertain significance. Review status: criteria provided, multiple submitters, no conflicts (2 of 4 stars). 3 submissions from 3 submitters: Uncertain significance (3). Last evaluated 2025-08-21.

Conditions:
Cardiovascular phenotype. Identifiers: MedGen CN230736.
Dilated cardiomyopathy 1J (CMD1J). Also called: CARDIOMYOPATHY, DILATED, WITH SENSORINEURAL HEARING LOSS, AUTOSOMAL DOMINANT. Identifiers: Orphanet 217622, MedGen C1854368, MONDO:0011541, OMIM 605362.

Allele frequency attached by ClinVar (database versions not stated): gnomAD 0.00001.
gnomAD v4.1: 2 of 1,613,614 alleles (0.00012%); highest among the groups gnomAD compares: African/African-American, 0.0027%; no homozygotes.

Submissions (3):

Ambry Genetics
Classification: Uncertain significance for Cardiovascular phenotype. Last evaluated: 2025-08-21. Review status: criteria provided, single submitter. Criteria: Ambry Variant Classification Scheme 2023. Collection method: clinical testing. Allele origin: germline.

Labcorp Genetics (formerly Invitae), Labcorp
Classification: Uncertain significance for Dilated cardiomyopathy 1J. Last evaluated: 2024-06-02. Review status: criteria provided, single submitter. Criteria: Invitae Variant Classification Sherloc (09022015). Collection method: clinical testing. Allele origin: germline.
Comment: This sequence change replaces lysine, which is basic and polar, with arginine, which is basic and polar, at codon 581 of the EYA4 protein (p.Lys581Arg). This variant is not present in population databases (gnomAD no frequency). This variant has not been reported in the literature in individuals affected with EYA4-related conditions. ClinVar contains an entry for this variant (Variation ID: 944171). Advanced modeling of protein sequence and biophysical properties (such as structural, functional, and spatial information, amino acid conservation, physicochemical variation, residue mobility, and thermodynamic stability) performed at Invitae indicates that this missense variant is expected to disrupt EYA4 protein function with a positive predictive value of 80%. In summary, the available evidence is currently insufficient to determine the role of this variant in disease. Therefore, it has been classified as a Variant of Uncertain Significance.

GeneDx
Classification: Uncertain significance. Last evaluated: 2022-07-18. Review status: criteria provided, single submitter. Criteria: GeneDx Variant Classification Process June 2021. Collection method: clinical testing. Allele origin: germline. Affected: yes.
Comment: Not observed at significant frequency in large population cohorts (gnomAD); In silico analysis supports that this missense variant has a deleterious effect on protein structure/function; Has not been previously published as pathogenic or benign to our knowledge

NM_004100.5(EYA4):c.1742A>G (p.Lys581Arg)

Genes: EYA4 (EYA transcriptional coactivator and phosphatase 4; plus strand), TARID (TCF21 antisense RNA inducing promoter demethylation; minus strand). Cytogenetic location: 6q23.2.
Variant type: single nucleotide variant.
Coding change: c.1742A>G on transcript NM_004100.5 (MANE Select); coding-DNA position 1742, A replaced by G.
Protein change: p.Lys581Arg; replaces lysine 581 with arginine.
Molecular consequence: missense variant. On other transcripts: intron variant (3).
Genome position (GRCh38, 1-based): chr6:133,525,157, A>G. VCF-style: chr6-133525157-A-G. GRCh37 (hg19) VCF-style: chr6-133846295-A-G.
Other names: c.1760A>G, p.Lys587Arg (NM_001301013.2); c.1598A>G, p.Lys533Arg (NM_001370459.1); c.1673A>G, p.Lys558Arg (NM_172103.4); c.1839+42A>G (NM_172105.4); c.1770+42A>G (NM_001370458.1); c.1677+42A>G (NM_001301012.2); short protein forms K581R, K533R, K558R, K587R.
Identifiers: ClinVar variation 944171 (VCV000944171.11), dbSNP rs1800527323, ClinGen allele CA365700391.